The following is an entry in ClinVar:

ClinVar aggregate classification (germline): Conflicting classifications of pathogenicity. Review status: criteria provided, conflicting classifications (1 of 4 stars). 2 submissions from 2 submitters: Uncertain significance (1); Likely benign (1). Last evaluated 2026-06-06.

Conditions:
Melnick-Needles syndrome (MNS). Also called: MELNICK-NEEDLES OSTEODYSPLASTY; Melnick-Needles Syndrome (FLNA-MNS); OSTEODYSPLASTY OF MELNICK AND NEEDLES. Identifiers: Orphanet 2484, MedGen C0025237, MONDO:0010650, OMIM 309350.
Frontometaphyseal dysplasia (FMD1). Identifiers: Orphanet 1826, MedGen C0265293, MONDO:0015942.
Heterotopia, periventricular, X-linked dominant (PVNH1). Also called: PERIVENTRICULAR NODULAR HETEROTOPIA 4; HETEROTOPIA, PERIVENTRICULAR, 1; PERIVENTRICULAR NODULAR HETEROTOPIA 1; X-linked periventricular heterotopia. Identifiers: Orphanet 2149, Orphanet 82004, MedGen C1848213, MONDO:0010233, OMIM 300049.
Oto-palato-digital syndrome, type II (OPD2). Also called: FACIOPALATOOSSEOUS SYNDROME; Otopalatodigital Syndrome Type 2 (FLNA-OPD2); OPD II SYNDROME; Otopalatodigital Syndrome, Type II. Identifiers: Orphanet 669, Orphanet 90652, MedGen C1844696, MONDO:0010571, OMIM 304120.
Familial thoracic aortic aneurysm and aortic dissection (TAAD). Also called: Thoracic aortic aneurysms and dissections. Identifiers: Orphanet 91387, MedGen C4707243, MONDO:0019625.

Allele frequency attached by ClinVar (database versions not stated): gnomAD exomes below 0.00001.

Submissions (2):

Ambry Genetics
Classification: Uncertain significance for Familial thoracic aortic aneurysm and aortic dissection. Last evaluated: 2026-06-06. Review status: criteria provided, single submitter. Criteria: Ambry Variant Classification Scheme 2023. Collection method: clinical testing. Allele origin: germline.
Comment: The p.V1944I variant (also known as c.5830G>A), located in coding exon 34 of the FLNA gene, results from a G to A substitution at nucleotide position 5830. The valine at codon 1944 is replaced by isoleucine, an amino acid with highly similar properties. This amino acid position is conserved. In addition, this alteration is predicted to be tolerated by in silico analysis. Based on the available evidence, the clinical significance of this variant remains unclear.

Labcorp Genetics (formerly Invitae), Labcorp
Classification: Likely benign for Oto-palato-digital syndrome, type II; Heterotopia, periventricular, X-linked dominant; Frontometaphyseal dysplasia; Melnick-Needles syndrome. Last evaluated: 2025-11-17. Review status: criteria provided, single submitter. Criteria: Invitae Variant Classification Sherloc (09022015). Collection method: clinical testing. Allele origin: germline.

NM_001110556.2(FLNA):c.5854G>A (p.Val1952Ile)

Gene: FLNA (filamin A; minus strand). Cytogenetic location: Xq28.
Variant type: single nucleotide variant.
Coding change: c.5854G>A on transcript NM_001110556.2 (MANE Select); coding-DNA position 5854, G replaced by A.
Protein change: p.Val1952Ile; replaces valine 1952 with isoleucine.
Molecular consequence: missense variant.
Genome position (GRCh38, 1-based): chrX:154,353,560, C>T on the plus strand (G>A on the coding strand, the complement: FLNA is on the minus strand). VCF-style: chrX-154353560-C-T. GRCh37 (hg19) VCF-style: chrX-153581928-C-T.
Other names: c.5830G>A (NM_001456.3); c.5830G>A, p.Val1944Ile (NM_001456.4); short protein forms V1952I, V1944I.
Identifiers: ClinVar variation 1913012 (VCV001913012.6), dbSNP rs1557176236, ClinGen allele CA415198772.
Genomic context (GRCh38, chrX:154,353,560, plus strand): 5'-GAGACCATGCCCACCCTGCCACCCGTTTCTGTCACTGCTCCCAGTGCCACCCACCTGTGA[C>T]CCGAGCAGTGAAGGGGCTGCCTGGGACGTGCTGTTCATTGTACTTGACTAGAATGCTGTA-3'
Protein context (NP_001104026.1, residues 1942-1962): HVPGSPFTAR[Val1952Ile]TGDDSMRMSH